The following is an entry in ClinVar:

NM_004278.4(PIGL):c.439G>A (p.Asp147Asn)

Gene: PIGL (phosphatidylinositol glycan anchor biosynthesis class L; plus strand). Cytogenetic location: 17p11.2.
Variant type: single nucleotide variant.
Coding change: c.439G>A on transcript NM_004278.4 (MANE Select); coding-DNA position 439, G replaced by A.
Protein change: p.Asp147Asn; replaces aspartic acid 147 with asparagine.
Molecular consequence: missense variant.
Genome position (GRCh38, 1-based): chr17:16,313,559, G>A. VCF-style: chr17-16313559-G-A. GRCh37 (hg19) VCF-style: chr17-16216873-G-A.
Other names: short protein forms D147N.
Identifiers: ClinVar variation 159708 (VCV000159708.13), dbSNP rs148238492, ClinGen allele CA173162.
Genomic context (GRCh38, chr17:16,313,559, plus strand): 5'-TGAGGTGGTGGAGAAGGCATTCAGTGAAAACCCTGTGTTTCTCTACAGGTGGTGACTTTC[G>A]ATGCAGGGGGAGTAAGTGGCCACAGCAATCACATTGCTCTGTATGCAGCTGTGAGGTATG-3'
Protein context (NP_004269.1, residues 137-157): VNGINLVVTF[Asp147Asn]AGGVSGHSNH

ClinVar aggregate classification (germline): Uncertain significance. Review status: criteria provided, multiple submitters, no conflicts (2 of 4 stars). 4 submissions from 4 submitters: Uncertain significance (4). Last evaluated 2025-09-28.

Conditions:
Inborn genetic diseases. Identifiers: MedGen C0950123, MeSH D030342.
CHIME syndrome (CHIME). Also called: GLYCOSYLPHOSPHATIDYLINOSITOL BIOSYNTHESIS DEFECT 5; COLOBOMA, CONGENITAL HEART DISEASE, ICHTHYOSIFORM DERMATOSIS, IMPAIRED INTELLECTUAL DEVELOPMENT, AND EAR ANOMALIES SYNDROME. Identifiers: Orphanet 3474, MedGen C1848392, MONDO:0010221, OMIM 280000.

Allele frequency attached by ClinVar (database versions not stated): gnomAD exomes 0.00006; ExAC 0.00008; ESP Exome Variant Server 0.00008; TOPMed 0.00012; gnomAD 0.00014 and 0.00015.
gnomAD v4.1: 189 of 1,613,686 alleles (0.012%); highest among the groups gnomAD compares: Non-Finnish European, 0.014%; no homozygotes.

Submissions (4):

Ambry Genetics
Classification: Uncertain significance for Inborn genetic diseases. Last evaluated: 2025-09-28. Review status: criteria provided, single submitter. Criteria: Ambry Variant Classification Scheme 2023. Collection method: clinical testing. Allele origin: germline.

Labcorp Genetics (formerly Invitae), Labcorp
Classification: Uncertain significance. Last evaluated: 2022-11-01. Review status: criteria provided, single submitter. Criteria: Invitae Variant Classification Sherloc (09022015). Collection method: clinical testing. Allele origin: germline.
Comment: This sequence change replaces aspartic acid, which is acidic and polar, with asparagine, which is neutral and polar, at codon 147 of the PIGL protein (p.Asp147Asn). This variant is present in population databases (rs148238492, gnomAD 0.01%). This variant has not been reported in the literature in individuals affected with PIGL-related conditions. ClinVar contains an entry for this variant (Variation ID: 159708). Advanced modeling of protein sequence and biophysical properties (such as structural, functional, and spatial information, amino acid conservation, physicochemical variation, residue mobility, and thermodynamic stability) performed at Invitae indicates that this missense variant is expected to disrupt PIGL protein function. In summary, the available evidence is currently insufficient to determine the role of this variant in disease. Therefore, it has been classified as a Variant of Uncertain Significance.

Illumina Laboratory Services, Illumina
Classification: Uncertain significance for CHIME syndrome. Last evaluated: 2018-01-12. Review status: criteria provided, single submitter. Criteria: ICSL Variant Classification Criteria 13 December 2019. Collection method: clinical testing. Allele origin: germline.

Genetic Services Laboratory, University of Chicago
Classification: Uncertain significance for CHIME syndrome. Last evaluated: 2013-02-08. Review status: criteria provided, single submitter. Criteria: ACMG Guidelines, 2007. Collection method: clinical testing. Allele origin: germline. Inheritance: Autosomal recessive inheritance.